The following is an entry in ClinVar:

ClinVar aggregate classification (germline): Uncertain significance (1 of 4 stars; one submission).

Conditions:
FGFR3-related disorder. Also called: FGFR3-related disorders.

gnomAD v4.1: 2 of 1,610,212 alleles (0.00012%); highest among the groups gnomAD compares: Non-Finnish European, 0.00017%; no homozygotes.

Submission:

PreventionGenetics, part of Exact Sciences
Classification: Uncertain significance for FGFR3-related condition. Last evaluated: 2025-08-05. Review status: criteria provided, single submitter. Criteria: ACMG Guidelines, 2015. Collection method: clinical testing. Allele origin: germline.
Comment: The FGFR3 c.788A>G variant is predicted to result in the amino acid substitution p.Gln263Arg. To our knowledge, this variant has not been reported in the literature or in a large population database (gnomAD), indicating this variant is rare. At this time, the clinical significance of this variant is uncertain due to the absence of conclusive functional and genetic evidence.

NM_000142.5(FGFR3):c.788A>G (p.Gln263Arg)

Gene: FGFR3 (fibroblast growth factor receptor 3; plus strand). Cytogenetic location: 4p16.3.
Variant type: single nucleotide variant.
Coding change: c.788A>G on transcript NM_000142.5 (MANE Select); coding-DNA position 788, A replaced by G.
Protein change: p.Gln263Arg; replaces glutamine 263 with arginine.
Molecular consequence: missense variant. On other transcripts: non-coding transcript variant (1).
Genome position (GRCh38, 1-based): chr4:1,801,883, A>G. VCF-style: chr4-1801883-A-G. GRCh37 (hg19) VCF-style: chr4-1803610-A-G.
Other names: c.788A>G, p.Gln263Arg (NM_001163213.2, NM_001354809.2, NM_001354810.2 and 1 more transcripts); short protein forms Q263R.
Identifiers: ClinVar variation 3357721 (VCV003357721.2).